The following is an entry in ClinVar:

NM_007215.4(POLG2):c.1417G>A (p.Asp473Asn)

Genes: POLG2 (DNA polymerase gamma 2, accessory subunit; minus strand), MILR1 (mast cell immunoglobulin like receptor 1; plus strand). Cytogenetic location: 17q23.3.
Variant type: single nucleotide variant.
Coding change: c.1417G>A on transcript NM_007215.4 (MANE Select); coding-DNA position 1417, G replaced by A.
Protein change: p.Asp473Asn; replaces aspartic acid 473 with asparagine.
Molecular consequence: missense variant.
Genome position (GRCh38, 1-based): chr17:64,477,864, C>T on the plus strand (G>A on the coding strand, the complement: POLG2 is on the minus strand). VCF-style: chr17-64477864-C-T. GRCh37 (hg19) VCF-style: chr17-62473981-C-T.
Other names: p.D473N:GAC>AAC; short protein forms D473N.
Identifiers: ClinVar variation 215019 (VCV000215019.18), dbSNP rs563130304, ClinGen allele CA324973.

ClinVar aggregate classification (germline): Conflicting classifications of pathogenicity. Review status: criteria provided, conflicting classifications (1 of 4 stars). 5 submissions from 5 submitters: Uncertain significance (2); Likely benign (3). Last evaluated 2025-08-05.

Conditions:
Hereditary spastic paraplegia. Also called: Familial spastic paraparesis. Identifiers: Orphanet 685, MedGen C0037773, MONDO:0019064. Disease mechanism: loss of function.
Progressive external ophthalmoplegia with mitochondrial DNA deletions, autosomal dominant 4. Also called: PROGRESSIVE EXTERNAL OPHTHALMOPLEGIA, AUTOSOMAL DOMINANT 4. Identifiers: MedGen C1864668, MONDO:0012415, OMIM 610131.

Allele frequency attached by ClinVar (database versions not stated): gnomAD 0.00002 and 0.00009; TOPMed 0.00005; gnomAD exomes 0.00020; ExAC 0.00022; 1000 Genomes Project 30x 0.00109; 1000 Genomes Project 0.00120.
gnomAD v4.1: 193 of 1,610,222 alleles (0.012%); highest among the groups gnomAD compares: South Asian, 0.18%; 2 homozygotes.

Submissions (5):

Labcorp Genetics (formerly Invitae), Labcorp
Classification: Likely benign. Last evaluated: 2025-08-05. Review status: criteria provided, single submitter. Criteria: Invitae Variant Classification Sherloc (09022015). Collection method: clinical testing. Allele origin: germline.

Genome Diagnostics Laboratory, The Hospital for Sick Children
Classification: Likely benign for Hereditary spastic paraplegia. Last evaluated: 2021-09-20. Review status: criteria provided, single submitter. Criteria: ACMG Guidelines, 2015. Collection method: clinical testing. Allele origin: germline. Affected: yes.

Revvity Omics, Revvity
Classification: Uncertain significance. Last evaluated: 2020-11-13. Review status: criteria provided, single submitter. Criteria: ACMG Guidelines, 2015. Collection method: clinical testing. Allele origin: germline.

Genomic Research Center, Shahid Beheshti University of Medical Sciences
Classification: Likely benign for Autosomal dominant progressive external ophthalmoplegia with mitochondrial DNA deletions 4. Last evaluated: 2020-05-03. Review status: criteria provided, single submitter. Criteria: ACMG Guidelines, 2015. Collection method: clinical testing. Allele origin: unknown.

GeneDx
Classification: Uncertain significance. Last evaluated: 2017-01-24. Review status: criteria provided, single submitter. Criteria: GeneDx Variant Classification (06012015). Collection method: clinical testing. Allele origin: germline. Affected: yes.
Comment: The D473N variant has not been published as a pathogenic variant, nor has it been reported as a benign variant to our knowledge. The 1000 Genomes Project Consortium reports D473N was observed in 0.6% to 1.7% of alleles from individuals of South Asian background. The D473N variant is a semi-conservative amino acid substitution, which may impact secondary protein structure as these residues differ in some properties. This substitution occurs at a position that is not conserved. In silico analysis is inconsistent in its predictions as to whether or not the variant is damaging to the protein structure/function. In summary, based on the currently available information, it is unclear whether this variant is a pathogenic variant or a rare benign variant.